The following is an entry in ClinVar:

ClinVar aggregate classification (germline): Conflicting classifications of pathogenicity. Review status: criteria provided, conflicting classifications (1 of 4 stars). 2 submissions from 2 submitters: Uncertain significance (1); Likely benign (1). Last evaluated 2023-03-23.

Conditions:
Hereditary cancer-predisposing syndrome. Also called: Neoplastic Syndromes, Hereditary; Tumor predisposition; Hereditary Cancer Syndrome; Hereditary neoplastic syndrome. Identifiers: Orphanet 140162, MedGen C0027672, MeSH D009386, MONDO:0015356.

Submissions (2):

University of Washington Department of Laboratory Medicine, University of Washington
Classification: Likely benign for Hereditary cancer-predisposing syndrome. Last evaluated: 2023-03-23. Review status: criteria provided, single submitter. Criteria: Dines et al. (Genet Med. 2020). Collection method: curation. Allele origin: germline.
Comment: Missense variant in a coldspot region where missense variants are very unlikely to be pathogenic (PMID:31911673).

BRCA2 exon 11 coldspot. Reclassification based on statistical prior probability.

Ambry Genetics
Classification: Uncertain significance for Hereditary cancer-predisposing syndrome. Last evaluated: 2022-10-03. Review status: criteria provided, single submitter. Criteria: Ambry Variant Classification Scheme 2023. Collection method: clinical testing. Allele origin: germline.
Comment: The p.F1336Y variant (also known as c.4007T>A), located in coding exon 10 of the BRCA2 gene, results from a T to A substitution at nucleotide position 4007. The phenylalanine at codon 1336 is replaced by tyrosine, an amino acid with highly similar properties. This amino acid position is conserved. In addition, this alteration is predicted to be tolerated by in silico analysis. Since supporting evidence is limited at this time, the clinical significance of this alteration remains unclear.

NM_000059.4(BRCA2):c.4007T>A (p.Phe1336Tyr)

Gene: BRCA2 (BRCA2 DNA repair associated; plus strand). Cytogenetic location: 13q13.1.
Variant type: single nucleotide variant.
Coding change: c.4007T>A on transcript NM_000059.4 (MANE Select); coding-DNA position 4007, T replaced by A.
Protein change: p.Phe1336Tyr; replaces phenylalanine 1336 with tyrosine.
Molecular consequence: missense variant.
Genome position (GRCh38, 1-based): chr13:32,338,362, T>A. VCF-style: chr13-32338362-T-A. GRCh37 (hg19) VCF-style: chr13-32912499-T-A.
Other names: c.4007T>A, p.Phe1336Tyr (NM_001406719.1, NM_001406720.1); short protein forms F1336Y.
Identifiers: ClinVar variation 1736977 (VCV001736977.4), dbSNP rs757305371, ClinGen allele CA387779008.
Genomic context (GRCh38, chr13:32,338,362, plus strand): 5'-ATACTGAAAATGAAGATAACAAATATACTGCTGCCAGTAGAAATTCTCATAACTTAGAAT[T>A]TGATGGCAGTGATTCAAGTAAAAATGATACTGTTTGTATTCATAAAGATGAAACGGACTT-3'
Protein context (NP_000050.3, residues 1326-1346): AASRNSHNLE[Phe1336Tyr]DGSDSSKNDT